The following is an entry in ClinVar:

NM_130384.3(ATRIP):c.2363T>C (p.Val788Ala)

Genes: ATRIP (ATR interacting protein; plus strand), ATRIP-TREX1 (ATRIP-TREX1 readthrough; plus strand), LOC129936704 (ATAC-STARR-seq lymphoblastoid active region 19829; plus strand). Cytogenetic location: 3p21.31.
Variant type: single nucleotide variant.
Coding change: c.2363T>C on transcript NM_130384.3 (MANE Select); coding-DNA position 2363, T replaced by C.
Protein change: p.Val788Ala; replaces valine 788 with alanine.
Molecular consequence: missense variant. On other transcripts: non-coding transcript variant (1).
Genome position (GRCh38, 1-based): chr3:48,465,541, T>C. VCF-style: chr3-48465541-T-C. GRCh37 (hg19) VCF-style: chr3-48506940-T-C.
Other names: c.-795T>C (NM_033629.4); c.1982T>C, p.Val661Ala (NM_001271022.2); c.2084T>C, p.Val695Ala (NM_001271023.2); c.2282T>C, p.Val761Ala (NM_032166.4); short protein forms V695A, V661A, V788A, V761A.
Identifiers: ClinVar variation 4644580 (VCV004644580.1).
Genomic context (GRCh38, chr3:48,465,541, plus strand): 5'-TCTCAGAGGCAGCCCTGGATGACCTCTGTGCCGCGGAAACCGATGTGGAAGACCCCGAGG[T>C]GGAGTGTGGCTGAGGCCCTGAGTGTCCAGCCACATGGTGGCACCAGCACCACTCCTTTCC-3'
Protein context (NP_569055.1, residues 778-791): AAETDVEDPE[Val788Ala]ECG

ClinVar aggregate classification (germline): Uncertain significance (1 of 4 stars; one submission).

Submission:

Ambry Genetics
Classification: Uncertain significance. Last evaluated: 2025-11-08. Review status: criteria provided, single submitter. Criteria: Ambry Variant Classification Scheme 2023. Collection method: clinical testing. Allele origin: germline.
Comment: The p.V788A variant (also known as c.2363T>C), located in coding exon 13 of the ATRIP gene, results from a T to C substitution at nucleotide position 2363. The valine at codon 788 is replaced by alanine, an amino acid with similar properties. This amino acid position is conserved. In addition, this alteration is predicted to be tolerated by in silico analysis. Based on the available evidence, the clinical significance of this variant remains unclear.